The following is an entry in ClinVar:

NM_000531.6(OTC):c.298+1_298+5del

Gene: OTC (ornithine transcarbamylase; plus strand). Cytogenetic location: Xp11.4.
Variant type: Deletion.
Coding change: c.298+1_298+5del on transcript NM_000531.6 (MANE Select); the canonical splice donor site of the intron after coding-DNA position 298 through 5 bases into the intron after coding-DNA position 298, 5 bases deleted (GTAAG; older notation c.298+1_298+5delGTAAG).
Molecular consequence: splice donor variant.
Genome position (GRCh38, 1-based): chrX:38,369,878-38,369,882, GTAAG deleted; deleting any 5 consecutive bases within chrX:38,369,876-38,369,882 gives the same sequence; the c. name uses the placement nearest the transcript's 3' end. VCF-style (leftmost placement, unchanged base first): chrX-38369875-CAGGTA-C. GRCh37 (hg19) VCF-style: chrX-38229128-CAGGTA-C.
Other names: c.298+1_298+5delGTAAG (NM_000531.5).
Identifiers: ClinVar variation 97161 (VCV000097161.2), dbSNP rs111060773, ClinGen allele CA224545.

ClinVar aggregate classification (germline): Pathogenic (0 of 4 stars; one submission).

Submission:

GenMed Metabolism Lab
Classification: Pathogenic. Review status: no assertion criteria provided. Collection method: not provided. Allele origin: unknown.
ClinVar note: Converted during submission from pathogenic to Pathogenic.